The following is an entry in ClinVar:

ClinVar aggregate classification (germline): Uncertain significance (1 of 4 stars; one submission).

Allele frequency attached by ClinVar (database versions not stated): gnomAD exomes 0.00001; ESP Exome Variant Server 0.00008.
gnomAD v4.1: 16 of 1,599,002 alleles (0.001%); highest among the groups gnomAD compares: Admixed American, 0.0084%; no homozygotes.

Submission:

Labcorp Genetics (formerly Invitae), Labcorp
Classification: Uncertain significance. Last evaluated: 2022-07-18. Review status: criteria provided, single submitter. Criteria: Invitae Variant Classification Sherloc (09022015). Collection method: clinical testing. Allele origin: germline.
Comment: In summary, the available evidence is currently insufficient to determine the role of this variant in disease. Therefore, it has been classified as a Variant of Uncertain Significance. Algorithms developed to predict the effect of sequence changes on RNA splicing suggest that this variant may disrupt the consensus splice site. Algorithms developed to predict the effect of missense changes on protein structure and function are either unavailable or do not agree on the potential impact of this missense change (SIFT: "Not Available"; PolyPhen-2: "Possibly Damaging"; Align-GVGD: "Not Available"). This variant has not been reported in the literature in individuals affected with IFT88-related conditions. This variant is present in population databases (rs375571364, gnomAD 0.01%). This sequence change replaces threonine, which is neutral and polar, with methionine, which is neutral and non-polar, at codon 68 of the IFT88 protein (p.Thr68Met).

NM_006531.5(IFT88):c.176C>T (p.Thr59Met)

Gene: IFT88 (intraflagellar transport 88; plus strand). Cytogenetic location: 13q12.11.
Variant type: single nucleotide variant.
Coding change: c.176C>T on transcript NM_006531.5 (MANE Select); coding-DNA position 176, C replaced by T.
Protein change: p.Thr59Met; replaces threonine 59 with methionine.
Molecular consequence: missense variant. On other transcripts: 5 prime UTR variant (1), non-coding transcript variant (3), intron variant (4).
Genome position (GRCh38, 1-based): chr13:20,589,833, C>T. VCF-style: chr13-20589833-C-T. GRCh37 (hg19) VCF-style: chr13-21163972-C-T.
Other names: c.203C>T, p.Thr68Met (NM_001318493.2, NM_001353565.2, NM_001353566.2 and 6 more transcripts); c.176C>T, p.Thr59Met (NM_001353568.2, NM_001353571.2, NM_001353572.2 and 1 more transcripts); c.-388C>T (NM_001353579.2); c.154-1134C>T (NM_001353575.2, NM_001318491.2, NM_001353573.2 and 1 more transcripts); short protein forms T68M, T59M.
Identifiers: ClinVar variation 1916661 (VCV001916661.5), dbSNP rs375571364, ClinGen allele CA6904974.